The following is an entry in ClinVar:

NM_000057.4(BLM):c.3944T>C (p.Leu1315Pro)

Gene: BLM (BLM RecQ like helicase; plus strand). Cytogenetic location: 15q26.1.
Variant type: single nucleotide variant.
Coding change: c.3944T>C on transcript NM_000057.4 (MANE Select); coding-DNA position 3944, T replaced by C.
Protein change: p.Leu1315Pro; replaces leucine 1315 with proline.
Molecular consequence: missense variant.
Genome position (GRCh38, 1-based): chr15:90,811,274, T>C. VCF-style: chr15-90811274-T-C. GRCh37 (hg19) VCF-style: chr15-91354504-T-C.
Other names: c.3944T>C, p.Leu1315Pro (NM_001287246.2); c.3551T>C, p.Leu1184Pro (NM_001287247.2); c.2819T>C, p.Leu940Pro (NM_001287248.2); short protein forms L1315P, L1184P, L940P.
Identifiers: ClinVar variation 1736376 (VCV001736376.3), dbSNP rs1271612269, ClinGen allele CA393850796.

ClinVar aggregate classification (germline): Uncertain significance (1 of 4 stars; one submission).

Conditions:
Hereditary cancer-predisposing syndrome. Also called: Neoplastic Syndromes, Hereditary; Tumor predisposition; Hereditary Cancer Syndrome; Hereditary neoplastic syndrome. Identifiers: Orphanet 140162, MedGen C0027672, MeSH D009386, MONDO:0015356.

Allele frequency attached by ClinVar (database versions not stated): gnomAD exomes below 0.00001; TOPMed below 0.00001; gnomAD 0.00001.
gnomAD v4.1: 2 of 1,614,016 alleles (0.00012%); highest among the groups gnomAD compares: Non-Finnish European, 0.00017%; no homozygotes.

Submission:

Ambry Genetics
Classification: Uncertain significance for Hereditary cancer-predisposing syndrome. Last evaluated: 2025-02-09. Review status: criteria provided, single submitter. Criteria: Ambry Variant Classification Scheme 2023. Collection method: clinical testing. Allele origin: germline.
Comment: The p.L1315P variant (also known as c.3944T>C), located in coding exon 20 of the BLM gene, results from a T to C substitution at nucleotide position 3944. The leucine at codon 1315 is replaced by proline, an amino acid with similar properties. This amino acid position is conserved. In addition, this alteration is predicted to be tolerated by in silico analysis. Since supporting evidence is limited at this time, the clinical significance of this alteration remains unclear.